The following is an entry in ClinVar:

NM_015102.5(NPHP4):c.241_249del (p.Pro81_Lys83del)

Gene: NPHP4 (nephrocystin 4; minus strand). Cytogenetic location: 1p36.31.
Variant type: Deletion.
Coding change: c.241_249del on transcript NM_015102.5 (MANE Select); coding-DNA positions 241 to 249, 9 bases deleted (CCGACGAAG; older notation c.241_249delCCGACGAAG).
Protein change: p.Pro81_Lys83del.
Molecular consequence: inframe deletion. On other transcripts: 5 prime UTR variant (1), non-coding transcript variant (1), intron variant (1).
Genome position (GRCh38, 1-based): chr1:5,978,300-5,978,308, CTTCGTCGG deleted on the plus strand (CCGACGAAG on the coding strand, the reverse complement: NPHP4 is on the minus strand); deleting any 9 consecutive bases within chr1:5,978,300-5,978,312 gives the same sequence; the c. name uses the placement nearest the transcript's 3' end. VCF-style (leftmost placement, unchanged base first): chr1-5978299-TCTTCGTCGG-T. GRCh37 (hg19) VCF-style: chr1-6038359-TCTTCGTCGG-T.
Other names: c.-989_-981del (NM_001291593.2); c.-1087-9049_-1087-9041del (NM_001291594.2).
Identifiers: ClinVar variation 1992504 (VCV001992504.4), dbSNP rs2523981236, ClinGen allele CA2580062525.

ClinVar aggregate classification (germline): Uncertain significance (1 of 4 stars; one submission).

Conditions:
Nephronophthisis. Also called: Juvenile Nephronophthisis. Identifiers: Orphanet 655, MedGen C0687120, MONDO:0019005, HP:0000090.

Submission:

Labcorp Genetics (formerly Invitae), Labcorp
Classification: Uncertain significance for Nephronophthisis. Last evaluated: 2022-05-09. Review status: criteria provided, single submitter. Criteria: Invitae Variant Classification Sherloc (09022015). Collection method: clinical testing. Allele origin: germline.
Comment: In summary, the available evidence is currently insufficient to determine the role of this variant in disease. Therefore, it has been classified as a Variant of Uncertain Significance. Experimental studies and prediction algorithms are not available or were not evaluated, and the functional significance of this variant is currently unknown. This variant has not been reported in the literature in individuals affected with NPHP4-related conditions. This variant is not present in population databases (gnomAD no frequency). This variant, c.241_249del, results in the deletion of 3 amino acid(s) of the NPHP4 protein (p.Pro81_Lys83del), but otherwise preserves the integrity of the reading frame.